The following is an entry in ClinVar:

ClinVar aggregate classification (germline): Benign/Likely benign. Review status: criteria provided, multiple submitters, no conflicts (2 of 4 stars). 15 submissions from 15 submitters: Benign (3); Likely benign (10). 2 of the submissions do not count toward it. Last evaluated 2026-03-01.

Conditions:
Severe combined immunodeficiency, autosomal recessive, T cell-negative, B cell-negative, NK cell-negative, due to adenosine deaminase deficiency. Also called: ADA-SCID; SCID DUE TO ADA DEFICIENCY; SCID DUE TO ADA DEFICIENCY, EARLY-ONSET; Adenosine deaminase deficient severe combined immunodeficiency; Severe combined immunodeficiency due to ADA deficiency; Adenosine Deaminase Deficiency. Identifiers: Orphanet 277, MedGen C0392607, MONDO:0007064, OMIM 102700.
ADA-related disorder. Also called: ADA-related condition.

Allele frequency attached by ClinVar (database versions not stated): 1000 Genomes Project 30x 0.00078; 1000 Genomes Project 0.00080; ESP Exome Variant Server 0.00208; TOPMed 0.00235; gnomAD 0.00267 and 0.00282; ExAC 0.00322; gnomAD exomes 0.00322 and 0.00356.
gnomAD v4.1: 5,581 of 1,614,236 alleles (0.35%); highest among the groups gnomAD compares: Non-Finnish European, 0.39%; 14 homozygotes.

Submissions (15):

CeGaT Center for Human Genetics Tuebingen
Classification: Likely benign. Last evaluated: 2026-03-01. Review status: criteria provided, single submitter. Criteria: CeGaT Center For Human Genetics Tuebingen Variant Classification Criteria Version 2. Collection method: clinical testing. Allele origin: germline. Affected: yes. Observed: 5 variant alleles.
Comment: ADA: BP4, BP7, BS2

Labcorp Genetics (formerly Invitae), Labcorp
Classification: Benign for Severe combined immunodeficiency, autosomal recessive, T cell-negative, B cell-negative, NK cell-negative, due to adenosine deaminase deficiency. Last evaluated: 2026-02-01. Review status: criteria provided, single submitter. Criteria: Invitae Variant Classification Sherloc (09022015). Collection method: clinical testing. Allele origin: germline.

Women's Health and Genetics/Laboratory Corporation of America, LabCorp
Classification: Likely benign. Last evaluated: 2026-01-22. Review status: criteria provided, single submitter. Criteria: LabCorp Variant Classification Summary - May 2015. Collection method: clinical testing. Allele origin: germline.

Mayo Clinic Laboratories, Mayo Clinic
Classification: Benign. Last evaluated: 2025-06-16. Review status: criteria provided, single submitter. Criteria: ACMG Guidelines, 2015. Collection method: clinical testing. Allele origin: germline. Observed: 3 variant alleles.
Comment: BS1, BS2, BP4, BP7

Blueprint Genetics
Classification: Likely benign. Last evaluated: 2024-11-28. Review status: criteria provided, single submitter. Criteria: ACMG Guidelines, 2015. Collection method: clinical testing. Allele origin: germline.

Genetic Services Laboratory, University of Chicago
Classification: Likely benign. Last evaluated: 2021-07-21. Review status: criteria provided, single submitter. Criteria: ACMG Guidelines, 2015. Collection method: clinical testing. Allele origin: germline. Affected: no.

Genome-Nilou Lab
Classification: Benign for Severe combined immunodeficiency, autosomal recessive, T cell-negative, B cell-negative, NK cell-negative, due to adenosine deaminase deficiency. Last evaluated: 2021-05-18. Review status: criteria provided, single submitter. Criteria: ACMG Guidelines, 2015. Collection method: clinical testing. Allele origin: germline. Affected: no.

GeneDx
Classification: Likely benign. Last evaluated: 2020-12-21. Review status: criteria provided, single submitter. Criteria: GeneDx Variant Classification Process June 2021. Collection method: clinical testing. Allele origin: germline. Affected: yes.

ARUP Laboratories, Molecular Genetics and Genomics, ARUP Laboratories
Classification: Likely benign. Last evaluated: 2020-03-06. Review status: criteria provided, single submitter. Criteria: ARUP Molecular Germline Variant Investigation Process. Collection method: clinical testing. Allele origin: germline.

Illumina Laboratory Services, Illumina
Classification: Likely benign for Severe combined immunodeficiency, autosomal recessive, T cell-negative, B cell-negative, NK cell-negative, due to adenosine deaminase deficiency. Last evaluated: 2018-01-13. Review status: criteria provided, single submitter. Criteria: ICSL Variant Classification Criteria 13 December 2019. Collection method: clinical testing. Allele origin: germline.
Comment: This variant was observed in the ICSL laboratory as part of a predisposition screen in an ostensibly healthy population. It had not been previously curated by ICSL or reported in the Human Gene Mutation Database (HGMD: prior to June 1st, 2018), and was therefore a candidate for classification through an automated scoring system. Utilizing variant allele frequency, disease prevalence and penetrance estimates, and inheritance mode, an automated score was calculated to assess if this variant is too frequent to cause the disease. Based on the score and internal cut-off values, a variant classified as likely benign is not then subjected to further curation. The score for this variant resulted in a classification of likely benign for this disease.

Clinical Genetics DNA and cytogenetics Diagnostics Lab, Erasmus MC, Erasmus Medical Center
Classification: Likely benign for Severe combined immunodeficiency, autosomal recessive, T cell-negative, B cell-negative, NK cell-negative, due to adenosine deaminase deficiency. Last evaluated: 2017-06-28. Review status: criteria provided, single submitter. Criteria: ACGS Guidelines, 2013. Collection method: clinical testing. Allele origin: germline. Affected: yes. Study: VKGL Data-share Consensus.

Genome Diagnostics Laboratory, University Medical Center Utrecht
Classification: Likely benign for Severe combined immunodeficiency, autosomal recessive, T cell-negative, B cell-negative, NK cell-negative, due to adenosine deaminase deficiency. Last evaluated: 2016-04-25. Review status: criteria provided, single submitter. Criteria: ACGS Guidelines, 2013. Collection method: clinical testing. Allele origin: germline. Affected: yes. Study: VKGL Data-share Consensus.

Breakthrough Genomics
Classification: Likely benign. Review status: criteria provided, single submitter. Criteria: ACMG Guidelines, 2015. Collection method: not provided. Allele origin: germline. Inheritance: Autosomal recessive inheritance. Affected: yes.

PreventionGenetics, part of Exact Sciences
Classification: Likely benign for ADA-related condition. Last evaluated: 2022-05-17. Review status: no assertion criteria provided. Collection method: clinical testing. Allele origin: germline. Not counted in ClinVar's aggregate classification.
Comment: This variant is classified as likely benign based on ACMG/AMP sequence variant interpretation guidelines (Richards et al. 2015 PMID: 25741868, with internal and published modifications).

Natera, Inc.
Classification: Benign for Severe combined immunodeficiency due to ADA deficiency. Last evaluated: 2020-09-16. Review status: no assertion criteria provided. Collection method: clinical testing. Allele origin: germline. Not counted in ClinVar's aggregate classification.

NM_000022.4(ADA):c.162G>A (p.Lys54=)

Genes: ADA (adenosine deaminase; minus strand), LOC107303343 (adenosine deaminase intronic regulatory elements; plus strand). Cytogenetic location: 20q13.12.
Variant type: single nucleotide variant.
Coding change: c.162G>A on transcript NM_000022.4 (MANE Select); coding-DNA position 162, G replaced by A.
Protein change: p.Lys54=; no amino-acid change (lysine 54 retained).
Molecular consequence: synonymous variant. On other transcripts: 5 prime UTR variant (1), non-coding transcript variant (1).
Genome position (GRCh38, 1-based): chr20:44,629,103, C>T on the plus strand (G>A on the coding strand, the complement: ADA is on the minus strand). VCF-style: chr20-44629103-C-T. GRCh37 (hg19) VCF-style: chr20-43257744-C-T.
Other names: p.Lys54=; c.-128G>A (NM_001322050.2); c.162G>A, p.Lys54= (NM_001322051.2).
Identifiers: ClinVar variation 338510 (VCV000338510.59), dbSNP rs45557242, ClinGen allele CA9871750.
Genomic context (GRCh38, chr20:44,629,103, plus strand): 5'-TCACGCGATAGCAGGCATGTAGTAGTCAAACTTGGCCAGGAAGTCTGGAAGGGTGAGCGG[C>T]TTGTCCATGCCAATGACGTTCAGCAGCCCCTCTGCTGTGTTAGCTGGGAGGGCGATCCCT-3'
Protein context (NP_000013.2, residues 44-64): EGLLNVIGMD[Lys54=]PLTLPDFLAK